The following is an entry in ClinVar:

ClinVar aggregate classification (germline): Benign. Review status: criteria provided, multiple submitters, no conflicts (2 of 4 stars). 2 submissions from 2 submitters: Benign (2). Last evaluated 2020-03-10.

Submissions (2):

Women's Health and Genetics/Laboratory Corporation of America, LabCorp
Classification: Benign. Last evaluated: 2020-03-10. Review status: criteria provided, single submitter. Criteria: LabCorp Variant Classification Summary - May 2015. Collection method: clinical testing. Allele origin: germline.
Comment: Variant summary: NF1 c.61-14delT alters a non-conserved nucleotide located close to a canonical splice site and therefore could affect mRNA splicing, leading to a significantly altered protein sequence. 4/4 computational tools predict no significant impact on normal splicing. However, these predictions have yet to be confirmed by functional studies. The variant allele was found at a frequency of 0.0025 in 139090 control chromosomes in the gnomAD database, including 1 homozygote. The observed variant frequency is approximately 1009-fold of the estimated maximal expected allele frequency for a pathogenic variant in NF1 causing Noonan Syndrome and Related Conditions phenotype (2.5e-06), strongly suggesting that the variant is benign. To our knowledge, no occurrence of c.61-14delT in individuals affected with Noonan Syndrome and Related Conditions and no experimental evidence demonstrating its impact on protein function have been reported. A ClinVar submitter (evaluation after 2014) cites the variant as benign. Based on the evidence outlined above, the variant was classified as benign.

ARUP Laboratories, Molecular Genetics and Genomics, ARUP Laboratories
Classification: Benign. Last evaluated: 2016-08-08. Review status: criteria provided, single submitter. Criteria: ARUP Molecular Germline Variant Investigation Process. Collection method: clinical testing. Allele origin: germline.

Literature cited by the submitters: PubMed 10678181 (cited by Women's Health and Genetics/Laboratory Corporation of America, LabCorp); PubMed 23460398 (cited by Women's Health and Genetics/Laboratory Corporation of America, LabCorp); PubMed 27069254 (cited by Women's Health and Genetics/Laboratory Corporation of America, LabCorp).

NM_001042492.3(NF1):c.61-14del

Gene: NF1 (neurofibromin 1; plus strand). Cytogenetic location: 17q11.2.
Variant type: Deletion.
Coding change: c.61-14del on transcript NM_001042492.3 (MANE Select); 14 bases into the intron before coding-DNA position 61, one base deleted (T; older notation c.61-14delT).
Molecular consequence: intron variant.
Genome position (GRCh38, 1-based): chr17:31,155,969, T deleted; the last of 10 consecutive T bases (chr17:31,155,960-31,155,969); deleting any one gives the same sequence. VCF-style (leftmost placement, unchanged base first): chr17-31155959-GT-G. GRCh37 (hg19) VCF-style: chr17-29482977-GT-G.
Other names: c.61-14delT (NM_000267.3); c.61-14del (NM_000267.4, NM_001128147.3).
Identifiers: ClinVar variation 439971 (VCV000439971.9), dbSNP rs376172637, ClinGen allele CA8485453.